The following is an entry in ClinVar:

NM_001130987.2(DYSF):c.1717C>T (p.Arg573Trp)

Gene: DYSF (dysferlin; plus strand). Cytogenetic location: 2p13.2.
Variant type: single nucleotide variant.
Coding change: c.1717C>T on transcript NM_001130987.2 (MANE Select); coding-DNA position 1717, C replaced by T.
Protein change: p.Arg573Trp; replaces arginine 573 with tryptophan.
Molecular consequence: missense variant.
Genome position (GRCh38, 1-based): chr2:71,551,631, C>T. VCF-style: chr2-71551631-C-T. GRCh37 (hg19) VCF-style: chr2-71778761-C-T.
Other names: NM_001130987.2(DYSF):c.1717C>T; p.Arg573Trp; c.1666C>T, p.Arg556Trp (NM_001130455.2, NM_001130983.2); c.1621C>T, p.Arg541Trp (NM_001130976.2, NM_001130977.2); c.1663C>T, p.Arg555Trp (NM_001130978.2, NM_003494.4); c.1756C>T, p.Arg586Trp (NM_001130979.2); c.1714C>T, p.Arg572Trp (NM_001130980.2, NM_001130981.2); c.1759C>T, p.Arg587Trp (NM_001130982.2); and 2 more; short protein forms R555W, R573W, R541W, R556W, R587W, R542W, R572W, R586W.
Identifiers: ClinVar variation 94278 (VCV000094278.64), dbSNP rs377735262, ClinGen allele CA222133.
Genomic context (GRCh38, chr2:71,551,631, plus strand): 5'-TCTCCCCTGCTCCTTGTGACCTGACCTCCCTGGCAGGGGGAAGGTGTGGCTTATCGTGGC[C>T]GGCTTCTGCTCTCCCTGGAGACCAAGCTGGTGGAGCACAGTGAACAGAAGGTGGAGGACC-3'
Protein context (NP_001124459.1, residues 563-583): GKGEGVAYRG[Arg573Trp]LLLSLETKLV

ClinVar aggregate classification (germline): Pathogenic. Review status: reviewed by expert panel (3 of 4 stars). 14 submissions from 14 submitters: Pathogenic (1). 13 of the submissions do not count toward it. Last evaluated 2025-01-08.

Conditions:
DYSF-related disorder. Also called: DYSF-related disorders; DYSF-related condition.
Miyoshi muscular dystrophy 1 (MMD1). Identifiers: Orphanet 45448, MedGen C4551973, MONDO:0024545, OMIM 254130.
Autosomal recessive limb-girdle muscular dystrophy type 2B (LGMDR2). Also called: MUSCULAR DYSTROPHY, LIMB-GIRDLE, TYPE 3; Limb-Girdle Muscular Dystrophy Type 2B (LGMD2B); MUSCULAR DYSTROPHY, LIMB-GIRDLE, AUTOSOMAL RECESSIVE 2; Limb-girdle muscular dystrophy, type 2B. Identifiers: Orphanet 268, MedGen C1850889, MONDO:0009676, OMIM 253601.
Distal myopathy with anterior tibial onset. Identifiers: Orphanet 178400, MedGen C1847532, MONDO:0011721, OMIM 606768.
Autosomal recessive limb-girdle muscular dystrophy. Identifiers: Orphanet 102015, MedGen C2931907, MONDO:0015152.
Neuromuscular disease caused by qualitative or quantitative defects of dysferlin. Also called: Qualitative or quantitative defects of dysferlin; Dysferlinopathy. Identifiers: Orphanet 207073, MedGen C2931687, MONDO:0016145.

Allele frequency attached by ClinVar (database versions not stated): gnomAD exomes 0.00004 and 0.00003; gnomAD 0.00001; TOPMed 0.00001; ExAC 0.00004; ESP Exome Variant Server 0.00008.
gnomAD v4.1: 55 of 1,608,660 alleles (0.0034%); highest among the groups gnomAD compares: South Asian, 0.0045%; no homozygotes.

Submissions 1 to 9 of 14:

ClinGen Limb Girdle Muscular Dystrophy Variant Curation Expert Panel, ClinGen
Classification: Pathogenic for Autosomal recessive limb-girdle muscular dystrophy. Last evaluated: 2025-01-08. Review status: reviewed by expert panel. Criteria: ClinGen LGMD VCEP ACMG Specifications DYSF V1.0.0. Collection method: curation. Allele origin: germline. Inheritance: Autosomal recessive inheritance.
Comment: The NM_003494.4: c.1663C>T variant in DYSF, which is also known as NM_001130987.2: c.1717C>T p.(Arg573Trp), is a missense variant predicted to cause substitution of arginine by tryptophan at amino acid 555 (p.Arg555Trp). This variant has been detected in at least nine unrelated individuals with limb girdle muscular dystrophy (PMID: 16010686, 17698709, 18853459, 25591676, 25143362, 19015158), including in a homozygous state in two patients (0.75 pts, PMID: 25143362,16010686) and in trans with a pathogenic variant in at least two patients (c.3708delA p.(Asp1237ThrfsTer24), 1.0 pt, PMID: 19015158; c.3220_3221delCT p.(Leu1074PheTer39), 1.0 pt, PMID: 25591676) (PM3_Strong). At least one patient with this variant displayed progressive limb-girdle muscle weakness and absent dysferlin protein expression, which is highly specific for DYSF-associated LGMD (PP4_Strong, PMID: 16010686, 25143362, 19015158, 18853459). The variant has also been reported to segregate with LGMD in two affected family members from one family (PP1; PMID: 25143362). The filtering allele frequency of the variant is 0.0002685 for South Asian exome alleles in gnomAD v2.1.1 (the upper threshold of the 95% CI of 3/28874), which is greater than the LGMD VCEP threshold (<0.0001) (PM2_Supporting not met). Immunofluorescence and 2-A assays of dysferlin membrane localization in HEK293T cells showed the Arg555Trp protein did not reach the cell membrane, indicating an impact on protein function (PMID: 35028538) (PS3_Moderate). The computational predictor REVEL gives a score of 0.94, which exceeds the VCEP threshold of ≥0.70, evidence that correlates with impact to DYSF function (PP3). In summary, this variant meets the criteria to be classified as Pathogenic for autosomal recessive limb-girdle muscular dystrophy based on the ACMG/AMP criteria applied, as specified by the ClinGen LGMD VCEP (LGMD VCEP specifications version 1.0.0; 01/08/2025): PM3_Strong, PP4_Strong, PP1, PS3_Moderate, PP3.

Natera, Inc.
Classification: Pathogenic for Limb-girdle muscular dystrophy type 2B. Last evaluated: 2025-01-16. Review status: criteria provided, single submitter. Criteria: Natera Variant Classification Schema (03/2026). Collection method: clinical testing. Allele origin: germline. Not counted in ClinVar's aggregate classification.
Comment: The c.1663C>T variant in DYSF is a missense variant predicted to cause substitution of arginine to tryptophan at amino acid 555. This variant is rare in the general population with a frequency below the threshold expected for the associated phenotype(s). This variant has been observed in one or more individuals affected with the associated recessive disease, as either homozygous or compound heterozygous with a second variant (PMID: 18853459, 21522182, 31066050). Given the available evidence, this variant is classified as Pathogenic.

Labcorp Genetics (formerly Invitae), Labcorp
Classification: Pathogenic for Neuromuscular disease caused by qualitative or quantitative defects of dysferlin. Last evaluated: 2024-10-23. Review status: criteria provided, single submitter. Criteria: Invitae Variant Classification Sherloc (09022015). Collection method: clinical testing. Allele origin: germline. Not counted in ClinVar's aggregate classification.
Comment: This sequence change replaces arginine, which is basic and polar, with tryptophan, which is neutral and slightly polar, at codon 555 of the DYSF protein (p.Arg555Trp). This variant is present in population databases (rs377735262, gnomAD 0.01%). This missense change has been observed in individual(s) with DYSF-related conditions (PMID: 17698709, 25591676, 27066573). ClinVar contains an entry for this variant (Variation ID: 94278). Invitae Evidence Modeling of protein sequence and biophysical properties (such as structural, functional, and spatial information, amino acid conservation, physicochemical variation, residue mobility, and thermodynamic stability) indicates that this missense variant is expected to disrupt DYSF protein function with a positive predictive value of 80%. Experimental studies have shown that this missense change affects DYSF function (PMID: 22174839). For these reasons, this variant has been classified as Pathogenic.

GeneDx
Classification: Pathogenic. Last evaluated: 2024-04-05. Review status: criteria provided, single submitter. Criteria: GeneDx Variant Classification Process June 2021. Collection method: clinical testing. Allele origin: germline. Affected: yes. Not counted in ClinVar's aggregate classification.
Comment: Published functional studies suggest a damaging effect on protein expression and localization (PMID: 35028538); Not observed at significant frequency in large population cohorts (gnomAD); In silico analysis supports that this missense variant has a deleterious effect on protein structure/function; This variant is associated with the following publications: (PMID: 25312915, 25591676, 19493611, 16010686, 22318734, 24488599, 19015158, 26579332, 23527661, 21522182, 34559919, 33927379, 27066573, 17698709, 36983702, 32400077, 33258288, 23519732, 25143362, 25591678, 31873062, 33610434, 18853459, 32664072, 32528171, 33715265, 31066050, 36672942, 22174839, 35028538)

Fulgent Genetics
Classification: Likely pathogenic for Autosomal recessive limb-girdle muscular dystrophy type 2B; Miyoshi muscular dystrophy 1; Distal myopathy with anterior tibial onset. Last evaluated: 2024-02-20. Review status: criteria provided, single submitter. Criteria: ACMG Guidelines, 2015. Collection method: clinical testing. Allele origin: germline. Not counted in ClinVar's aggregate classification.

Baylor Genetics
Classification: Pathogenic for Miyoshi muscular dystrophy 1. Last evaluated: 2024-01-11. Review status: criteria provided, single submitter. Criteria: ACMG Guidelines, 2015. Collection method: clinical testing. Allele origin: unknown. Not counted in ClinVar's aggregate classification.

Neuberg Centre For Genomic Medicine, NCGM
Classification: Pathogenic for Autosomal recessive limb-girdle muscular dystrophy type 2B. Last evaluated: 2023-06-22. Review status: criteria provided, single submitter. Criteria: ACMG Guidelines, 2015. Collection method: clinical testing. Allele origin: germline. Inheritance: Autosomal recessive inheritance. Affected: yes. Not counted in ClinVar's aggregate classification.
Comment: The missense c.1717C>T (p.Arg573Trp) variant in the DYSF gene has been observed in individual(s) with DYSF-related conditions (Izumi, Rumiko et al.,2015). This variant is reported with the allele frequency (0.003%) in the gnomAD Exomes. It is submitted to ClinVar as Likely Pathogenic/ Pathogenic (multiple submissions). The amino acid Arginine at position 573 is changed to a Tryptophan changing protein sequence and it might alter its composition and physico-chemical properties. Multiple lines of computational evidence (Polyphen - Damaging, SIFT – Damaging and MutationTaster - Disease causing) predict a damaging effect on protein structure and function for this variant. The amino acid Arginine in DYSF is predicted as conserved by GERP++ and PhyloP across 100 vertebrates. However,functional studies are required to prove the pathogenicity of the variant. For these reasons, this variant has been classified as Pathogenic.

Revvity Omics, Revvity
Classification: Pathogenic. Last evaluated: 2022-03-08. Review status: criteria provided, single submitter. Criteria: ACMG Guidelines, 2015. Collection method: clinical testing. Allele origin: germline. Not counted in ClinVar's aggregate classification.

Blueprint Genetics
Classification: Pathogenic for DYSF-related disorders. Last evaluated: 2021-08-05. Review status: criteria provided, single submitter. Criteria: ACMG Guidelines, 2015. Collection method: clinical testing. Allele origin: germline. Affected: yes. Observed: 3 variant alleles. Not counted in ClinVar's aggregate classification.